The following is an entry in ClinVar:

NM_020461.4(TUBGCP6):c.3914C>A (p.Ala1305Glu)

Gene: TUBGCP6 (tubulin gamma complex component 6; minus strand). Cytogenetic location: 22q13.33.
Variant type: single nucleotide variant.
Coding change: c.3914C>A on transcript NM_020461.4 (MANE Select); coding-DNA position 3914, C replaced by A.
Protein change: p.Ala1305Glu; replaces alanine 1305 with glutamic acid.
Molecular consequence: missense variant.
Genome position (GRCh38, 1-based): chr22:50,220,445, G>T on the plus strand (C>A on the coding strand, the complement: TUBGCP6 is on the minus strand). VCF-style: chr22-50220445-G-T. GRCh37 (hg19) VCF-style: chr22-50658874-G-T.
Other names: short protein forms A1305E.
Identifiers: ClinVar variation 1915599 (VCV001915599.7), dbSNP rs534573320, ClinGen allele CA10307784.

ClinVar aggregate classification (germline): Uncertain significance. Review status: criteria provided, multiple submitters, no conflicts (2 of 4 stars). 2 submissions from 2 submitters: Uncertain significance (2). Last evaluated 2022-07-06.

Conditions:
Microcephaly and chorioretinopathy 1. Also called: Microcephaly and chorioretinopathy, autosomal recessive, 1. Identifiers: MedGen C3278481, MONDO:0009624, OMIM 251270.

gnomAD v4.1: 43 of 1,612,144 alleles (0.0027%); highest among the groups gnomAD compares: South Asian, 0.041%; no homozygotes.

Submissions (2):

Labcorp Genetics (formerly Invitae), Labcorp
Classification: Uncertain significance. Last evaluated: 2022-07-06. Review status: criteria provided, single submitter. Criteria: Invitae Variant Classification Sherloc (09022015). Collection method: clinical testing. Allele origin: germline.
Comment: This sequence change replaces alanine, which is neutral and non-polar, with glutamic acid, which is acidic and polar, at codon 1305 of the TUBGCP6 protein (p.Ala1305Glu). This variant is present in population databases (rs534573320, gnomAD 0.04%). This variant has not been reported in the literature in individuals affected with TUBGCP6-related conditions. Algorithms developed to predict the effect of missense changes on protein structure and function (SIFT, PolyPhen-2, Align-GVGD) all suggest that this variant is likely to be tolerated. In summary, the available evidence is currently insufficient to determine the role of this variant in disease. Therefore, it has been classified as a Variant of Uncertain Significance.

Revvity Omics, Revvity
Classification: Uncertain significance for Microcephaly and chorioretinopathy 1. Last evaluated: 2021-09-03. Review status: criteria provided, single submitter. Criteria: ACMG Guidelines, 2015. Collection method: clinical testing. Allele origin: germline.